The following is an entry in ClinVar:

ClinVar aggregate classification (germline): Conflicting classifications of pathogenicity. Review status: criteria provided, conflicting classifications (1 of 4 stars). 4 submissions from 4 submitters: Uncertain significance (1); Likely benign (2). 1 of the submissions does not count toward it. Last evaluated 2025-12-03.

Conditions:
UNC13A-related disorder. Also called: UNC13A-related condition.

Allele frequency attached by ClinVar (database versions not stated): 1000 Genomes Project 0.00040; ExAC 0.00072; 1000 Genomes Project 30x 0.00094; ESP Exome Variant Server 0.00112; gnomAD 0.00116.
gnomAD v4.1: 2,988 of 1,551,594 alleles (0.19%); highest among the groups gnomAD compares: Non-Finnish European, 0.24%; 4 homozygotes.

Submissions (4):

Mayo Clinic Laboratories, Mayo Clinic
Classification: Likely benign. Last evaluated: 2025-12-03. Review status: criteria provided, single submitter. Criteria: ACMG Guidelines, 2015. Collection method: clinical testing. Allele origin: germline. Observed: 1 variant allele.
Comment: BS2, BP4

CeGaT Center for Human Genetics Tuebingen
Classification: Likely benign. Last evaluated: 2025-09-01. Review status: criteria provided, single submitter. Criteria: CeGaT Center For Human Genetics Tuebingen Variant Classification Criteria Version 2. Collection method: clinical testing. Allele origin: germline. Affected: yes. Observed: 1 variant allele.
Comment: UNC13A: BS2

Ambry Genetics
Classification: Uncertain significance. Last evaluated: 2021-08-13. Review status: criteria provided, single submitter. Criteria: Ambry Variant Classification Scheme 2023. Collection method: clinical testing. Allele origin: germline.

PreventionGenetics, part of Exact Sciences
Classification: Likely benign for UNC13A-related condition. Last evaluated: 2022-03-29. Review status: no assertion criteria provided. Collection method: clinical testing. Allele origin: germline. Not counted in ClinVar's aggregate classification.
Comment: This variant is classified as likely benign based on ACMG/AMP sequence variant interpretation guidelines (Richards et al. 2015 PMID: 25741868, with internal and published modifications).

NM_001080421.3(UNC13A):c.1031T>C (p.Leu344Pro)

Gene: UNC13A (unc-13 homolog A; minus strand). Cytogenetic location: 19p13.11.
Variant type: single nucleotide variant.
Coding change: c.1031T>C on transcript NM_001080421.3 (MANE Select); coding-DNA position 1031, T replaced by C.
Protein change: p.Leu344Pro; replaces leucine 344 with proline.
Molecular consequence: missense variant.
Genome position (GRCh38, 1-based): chr19:17,656,135, A>G on the plus strand (T>C on the coding strand, the complement: UNC13A is on the minus strand). VCF-style: chr19-17656135-A-G. GRCh37 (hg19) VCF-style: chr19-17766944-A-G.
Other names: p.Leu344Pro; c.1031T>C, p.Leu344Pro (NM_001387021.1, NM_001387022.1, NM_001387023.1); short protein forms L344P.
Identifiers: ClinVar variation 2382591 (VCV002382591.12), dbSNP rs200561053, ClinGen allele CA9298621.